The following is an entry in ClinVar:

ClinVar aggregate classification (germline): Conflicting classifications of pathogenicity. Review status: criteria provided, conflicting classifications (1 of 4 stars). 4 submissions from 4 submitters: Uncertain significance (3); Likely benign (1). Last evaluated 2026-07-01.

Conditions:
MAPT-related disorder. Also called: MAPT-Related Disorders; MAPT-related condition.
Parkinson disease, late-onset (PD). Also called: PARKINSON DISEASE, LATE-ONSET, SUSCEPTIBILITY TO; Susceptibility to Parkinson's Disease; Hereditary late onset Parkinson disease. Identifiers: Orphanet 411602, MedGen C3160718, MONDO:0008199, OMIM 168600.
Progressive supranuclear palsy-parkinsonism syndrome. Also called: Supranuclear palsy, progressive, 1, atypical; Progressive supranuclear palsy atypical; Atypical PSP; PARKINSON-DEMENTIA SYNDROME. Identifiers: Orphanet 240085, Orphanet 683, Orphanet 99750, MedGen C1850077, MONDO:0009839, OMIM 260540.
Supranuclear palsy, progressive, 1 (PSNP1). Also called: STEELE-RICHARDSON-OLSZEWSKI SYNDROME. Identifiers: Orphanet 240071, MedGen C4551863, MONDO:0010997, OMIM 601104.
Pick disease. Also called: PICK DISEASE OF BRAIN; DEMENTIA WITH LOBAR ATROPHY AND NEURONAL CYTOPLASMIC INCLUSIONS; LOBAR ATROPHY OF BRAIN; Pick's disease; Pick Disease of the Brain. Identifiers: Orphanet 282, MedGen C0236642, MONDO:0008243, OMIM 172700.
Frontotemporal dementia (FTD1). Also called: Dementia, frontotemporal, with or without parkinsonism; Frontotemporal lobe dementia (FLDEM); FRONTOTEMPORAL DEMENTIA WITH PARKINSONISM; FRONTOTEMPORAL LOBE DEMENTIA; MULTIPLE SYSTEM TAUOPATHY WITH PRESENILE DEMENTIA; Frontotemporal Dementia with Parkinsonism-17 (FTDP-17). Identifiers: Orphanet 282, MedGen C0338451, MONDO:0017276, OMIM 600274, HP:0002145.

Allele frequency attached by ClinVar (database versions not stated): gnomAD 0.00003; TOPMed 0.00004.
gnomAD v4.1: 77 of 1,613,294 alleles (0.0048%); highest among the groups gnomAD compares: Non-Finnish European, 0.006%; no homozygotes.

Submissions (4):

CeGaT Center for Human Genetics Tuebingen
Classification: Likely benign. Last evaluated: 2026-07-01. Review status: criteria provided, single submitter. Criteria: CeGaT Center For Human Genetics Tuebingen Variant Classification Criteria Version 2. Collection method: clinical testing. Allele origin: germline. Affected: yes. Observed: 1 variant allele.
Comment: MAPT: BP4

PreventionGenetics, part of Exact Sciences
Classification: Uncertain significance for MAPT-related condition. Last evaluated: 2023-08-14. Review status: criteria provided, single submitter. Criteria: ACMG Guidelines, 2015. Collection method: clinical testing. Allele origin: germline.
Comment: The MAPT c.817T>C variant is predicted to result in the amino acid substitution p.Ser273Pro. To our knowledge, this variant has not been reported in the literature. This variant is reported in 0.0070% of alleles in individuals of European (Non-Finnish) descent in gnomAD. At this time, the clinical significance of this variant is uncertain due to the absence of conclusive functional and genetic evidence.

Fulgent Genetics
Classification: Uncertain significance for Parkinson disease, late-onset; Pick disease; Progressive supranuclear palsy-parkinsonism syndrome; Frontotemporal dementia; Supranuclear palsy, progressive, 1. Last evaluated: 2021-09-23. Review status: criteria provided, single submitter. Criteria: ACMG Guidelines, 2015. Collection method: clinical testing. Allele origin: unknown.

GeneDx
Classification: Uncertain significance. Last evaluated: 2017-10-16. Review status: criteria provided, single submitter. Criteria: GeneDx Variant Classification (06012015). Collection method: clinical testing. Allele origin: germline. Affected: yes.
Comment: The S273P variant in the MAPT gene has not been reported previously as a pathogenic variant, nor as a benign variant, to our knowledge. The S273P variant is observed in 9/125,998 (0.007%) alleles from individuals of non-Finnish European background, in the ExAC dataset (Lek et al., 2016). The S273P variant is a non-conservative amino acid substitution, which is likely to impact secondary protein structure as these residues differ in polarity, charge, size and/or other properties. This substitution occurs at a position that is not conserved. In silico analysis is inconsistent in its predictions as to whether or not the variant is damaging to the protein structure/function. We interpret S273P as a variant of uncertain significance.

NM_001377265.1(MAPT):c.1042T>C (p.Ser348Pro)

Gene: MAPT (microtubule associated protein tau). Cytogenetic location: 17q21.31.
Variant type: single nucleotide variant.
Coding change: c.1042T>C on transcript NM_001377265.1 (MANE Select); coding-DNA position 1042, T replaced by C.
Protein change: p.Ser348Pro; replaces serine 348 with proline.
Molecular consequence: missense variant. On other transcripts: intron variant (8).
Genome position (GRCh38, 1-based): chr17:45,983,621, T>C. VCF-style: chr17-45983621-T-C. GRCh37 (hg19) VCF-style: chr17-44060987-T-C.
Other names: c.817T>C, p.Ser273Pro (NM_001123066.4, NM_016835.5); c.1042T>C, p.Ser348Pro (NM_001377266.1); c.200-3419T>C (NM_001377268.1, NM_016834.5, NM_016841.5); c.374-3419T>C (NM_005910.6, NM_001203252.2); c.287-3419T>C (NM_001123067.4, NM_001203251.2, NM_001377267.1); short protein forms S273P, S348P.
Identifiers: ClinVar variation 452810 (VCV000452810.5), dbSNP rs753640366, ClinGen allele CA8617760.